The following is an entry in ClinVar:

NM_001113491.2(SEPTIN9):c.353_354delinsCC (p.Gln118Pro)

Gene: SEPTIN9 (septin 9; plus strand). Cytogenetic location: 17q25.3.
Variant type: Indel.
Coding change: c.353_354delinsCC on transcript NM_001113491.2 (MANE Select); coding-DNA positions 353 to 354, AG replaced by CC.
Protein change: p.Gln118Pro; replaces glutamine 118 with proline.
Molecular consequence: missense variant. On other transcripts: 5 prime UTR variant (2).
Genome position (GRCh38, 1-based): chr17:77,402,335-77,402,336, AG replaced by CC. VCF-style: chr17-77402335-AG-CC. GRCh37 (hg19) VCF-style: chr17-75398417-AG-CC.
Other names: c.-140_-139delinsCC (NM_001113492.2, NM_001113494.1); c.332_333delinsCC, p.Gln111Pro (NM_001113493.2); c.296_297delinsCC, p.Gln99Pro (NM_001293695.2); c.299_300delinsCC, p.Gln100Pro (NM_006640.5); short protein forms Q99P, Q100P, Q118P, Q111P.
Identifiers: ClinVar variation 446761 (VCV000446761.34), dbSNP rs1555659856, ClinGen allele CA658658712.

ClinVar aggregate classification (germline): Conflicting classifications of pathogenicity. Review status: criteria provided, conflicting classifications (1 of 4 stars). 6 submissions from 6 submitters: Uncertain significance (4); Likely benign (2). Last evaluated 2025-12-08.

Conditions:
Amyotrophic neuralgia (HNA). Also called: Hereditary Brachial Plexus Neuropathy; Neuritis with Brachial Predilection; AMYOTROPHY, HEREDITARY NEURALGIC; AMYOTROPHY, HEREDITARY NEURALGIC, WITH PREDILECTION FOR BRACHIAL PLEXUS. Identifiers: Orphanet 2901, MedGen C1834304, MONDO:0008076, OMIM 162100.

Submissions (6):

Labcorp Genetics (formerly Invitae), Labcorp
Classification: Likely benign. Last evaluated: 2025-12-08. Review status: criteria provided, single submitter. Criteria: Invitae Variant Classification Sherloc (09022015). Collection method: clinical testing. Allele origin: germline.

Women's Health and Genetics/Laboratory Corporation of America, LabCorp
Classification: Likely benign. Last evaluated: 2024-12-23. Review status: criteria provided, single submitter. Criteria: LabCorp Variant Classification Summary - May 2015. Collection method: clinical testing. Allele origin: germline.
Comment: Variant summary: SEPTIN9 c.299_300delinsCC (p.Gln100Pro) results in a non-conservative amino acid change in the encoded protein sequence. Four of five in-silico tools predict a damaging effect of the variant on protein function. The variant allele was found at a frequency of 0.00029 in 276042 control chromosomes. The observed variant frequency is approximately 293 fold of the estimated maximal expected allele frequency for a pathogenic variant in SEPTIN9 causing Amyotrophic neuralgia phenotype (1e-06). c.299_300delinsCC has been reported in the literature in 2 individuals affected with Inherited peripheral neuropathy, without strong evidence for causality (Antoniadi_2015). These report(s) do not provide unequivocal conclusions about association of the variant with Amyotrophic neuralgia. To our knowledge, no experimental evidence demonstrating an impact on protein function has been reported. The following publication has been ascertained in the context of this evaluation (PMID: 26392352). ClinVar contains an entry for this variant (Variation ID: 446761). Based on the evidence outlined above, the variant was classified as likely benign.

CeGaT Center for Human Genetics Tuebingen
Classification: Uncertain significance. Last evaluated: 2023-08-01. Review status: criteria provided, single submitter. Criteria: CeGaT Center For Human Genetics Tuebingen Variant Classification Criteria Version 2. Collection method: clinical testing. Allele origin: germline. Affected: yes. Observed: 1 variant allele.
Comment: SEPTIN9: PM2, PS4:Supporting

Clinical Genetics Laboratory, Skane University Hospital Lund
Classification: Uncertain significance. Last evaluated: 2022-05-27. Review status: criteria provided, single submitter. Criteria: ACMG Guidelines, 2015. Collection method: clinical testing. Allele origin: germline. Affected: yes.

Fulgent Genetics
Classification: Uncertain significance for Amyotrophic neuralgia. Last evaluated: 2021-07-22. Review status: criteria provided, single submitter. Criteria: ACMG Guidelines, 2015. Collection method: clinical testing. Allele origin: unknown.

Athena Diagnostics
Classification: Uncertain significance. Last evaluated: 2017-01-26. Review status: criteria provided, single submitter. Criteria: Athena Diagnostics Criteria. Collection method: clinical testing. Allele origin: germline.

Literature cited by the submitters: PubMed 26392352 (cited by Women's Health and Genetics/Laboratory Corporation of America, LabCorp).